The following is an entry in ClinVar:

NM_001130144.3(LTBP3):c.1292G>A (p.Ser431Asn)

Gene: LTBP3 (latent transforming growth factor beta binding protein 3; minus strand). Cytogenetic location: 11q13.1.
Variant type: single nucleotide variant.
Coding change: c.1292G>A on transcript NM_001130144.3 (MANE Select); coding-DNA position 1292, G replaced by A.
Protein change: p.Ser431Asn; replaces serine 431 with asparagine.
Molecular consequence: missense variant.
Genome position (GRCh38, 1-based): chr11:65,552,301, C>T on the plus strand (G>A on the coding strand, the complement: LTBP3 is on the minus strand). VCF-style: chr11-65552301-C-T. GRCh37 (hg19) VCF-style: chr11-65319772-C-T.
Other names: c.941G>A, p.Ser314Asn (NM_001164266.1); c.1292G>A, p.Ser431Asn (NM_021070.4); short protein forms S314N, S431N.
Identifiers: ClinVar variation 2847845 (VCV002847845.3), dbSNP rs2496169997, ClinGen allele CA381273855.

ClinVar aggregate classification (germline): Uncertain significance (1 of 4 stars; one submission).

Conditions:
Brachyolmia-amelogenesis imperfecta syndrome. Also called: Tooth agenesis, selective, 6; Dental anomalies and short stature; PLATYSPONDYLY WITH AMELOGENESIS IMPERFECTA. Identifiers: Orphanet 2899, MedGen C1832594, MONDO:0011018, OMIM 601216. Disease mechanism: loss of function.

Submission:

Labcorp Genetics (formerly Invitae), Labcorp
Classification: Uncertain significance for Brachyolmia-amelogenesis imperfecta syndrome. Last evaluated: 2025-12-06. Review status: criteria provided, single submitter. Criteria: Invitae Variant Classification Sherloc (09022015). Collection method: clinical testing. Allele origin: germline.
Comment: This sequence change replaces serine, which is neutral and polar, with asparagine, which is neutral and polar, at codon 431 of the LTBP3 protein (p.Ser431Asn). This variant is not present in population databases (gnomAD no frequency). This variant has not been reported in the literature in individuals affected with LTBP3-related conditions. ClinVar contains an entry for this variant (Variation ID: 2847845). An algorithm developed to predict the effect of missense changes on protein structure and function (PolyPhen-2) suggests that this variant is likely to be disruptive. In summary, the available evidence is currently insufficient to determine the role of this variant in disease. Therefore, it has been classified as a Variant of Uncertain Significance.